The following is an entry in ClinVar:

ClinVar aggregate classification (germline): Uncertain significance (1 of 4 stars; one submission).

Conditions:
Epilepsy, familial adult myoclonic, 5 (EPEO5). Also called: CORTICAL MYOCLONIC TREMOR WITH EPILEPSY, FAMILIAL, 5. Identifiers: Orphanet 86814, MedGen C3809374, MONDO:0014167, OMIM 615400.

Allele frequency attached by ClinVar (database versions not stated): ExAC 0.00003; gnomAD exomes 0.00003; gnomAD 0.00004 and 0.00005; TOPMed 0.00005; ESP Exome Variant Server 0.00008.
gnomAD v4.1: 140 of 1,613,952 alleles (0.0087%); highest among the groups gnomAD compares: Non-Finnish European, 0.012%; no homozygotes.

Submission:

Labcorp Genetics (formerly Invitae), Labcorp
Classification: Uncertain significance for Epilepsy, familial adult myoclonic, 5. Last evaluated: 2021-12-31. Review status: criteria provided, single submitter. Criteria: Invitae Variant Classification Sherloc (09022015). Collection method: clinical testing. Allele origin: germline.
Comment: This sequence change replaces serine, which is neutral and polar, with proline, which is neutral and non-polar, at codon 383 of the CNTN2 protein (p.Ser383Pro). This variant is present in population databases (rs377487667, gnomAD 0.006%). This variant has not been reported in the literature in individuals affected with CNTN2-related conditions. Advanced modeling of protein sequence and biophysical properties (such as structural, functional, and spatial information, amino acid conservation, physicochemical variation, residue mobility, and thermodynamic stability) performed at Invitae indicates that this missense variant is not expected to disrupt CNTN2 protein function. In summary, the available evidence is currently insufficient to determine the role of this variant in disease. Therefore, it has been classified as a Variant of Uncertain Significance.

NM_005076.5(CNTN2):c.1147T>C (p.Ser383Pro)

Gene: CNTN2 (contactin 2; plus strand). Cytogenetic location: 1q32.1.
Variant type: single nucleotide variant.
Coding change: c.1147T>C on transcript NM_005076.5 (MANE Select); coding-DNA position 1147, T replaced by C.
Protein change: p.Ser383Pro; replaces serine 383 with proline.
Molecular consequence: missense variant. On other transcripts: non-coding transcript variant (1).
Genome position (GRCh38, 1-based): chr1:205,062,476, T>C. VCF-style: chr1-205062476-T-C. GRCh37 (hg19) VCF-style: chr1-205031604-T-C.
Other names: c.1147T>C, p.Ser383Pro (NM_001346083.2); short protein forms S383P.
Identifiers: ClinVar variation 1380063 (VCV001380063.5), dbSNP rs377487667, ClinGen allele CA1351290.